The following is an entry in ClinVar:

NM_004104.5(FASN):c.4578G>A (p.Glu1526=)

Gene: FASN (fatty acid synthase; minus strand). Cytogenetic location: 17q25.3.
Variant type: single nucleotide variant.
Coding change: c.4578G>A on transcript NM_004104.5 (MANE Select); coding-DNA position 4578, G replaced by A.
Protein change: p.Glu1526=; no amino-acid change (glutamic acid 1526 retained).
Molecular consequence: synonymous variant.
Genome position (GRCh38, 1-based): chr17:82,084,703, C>T on the plus strand (G>A on the coding strand, the complement: FASN is on the minus strand). VCF-style: chr17-82084703-C-T. GRCh37 (hg19) VCF-style: chr17-80042579-C-T.
Identifiers: ClinVar variation 462058 (VCV000462058.15), dbSNP rs45483502, ClinGen allele CA8852005.
Genomic context (GRCh38, chr17:82,084,703, plus strand): 5'-CCAGCGGATGGAGGACAGGTCCCCCCGGGTGAGGGTGCTCACAAAGGCATGTGCCGTCGG[C>T]TCCTCAGGCTTGTCTAGGGAAACAGGGAGGTGGGGCTGCTGCGGGGCCTTCGGGTGCAGT-3'
Protein context (NP_004095.4, residues 1516-1536): HFLLEEDKPE[Glu1526=]PTAHAFVSTL

ClinVar aggregate classification (germline): Benign. Review status: criteria provided, multiple submitters, no conflicts (2 of 4 stars). 3 submissions from 3 submitters: Benign (2). 1 of the submissions does not count toward it. Last evaluated 2026-01-28.

Conditions:
FASN-related disorder. Also called: FASN-related condition.
Epileptic encephalopathy. Identifiers: MedGen C0543888, HP:0200134.

Allele frequency attached by ClinVar (database versions not stated): gnomAD exomes 0.00148 and 0.00376; ExAC 0.00834; gnomAD 0.01653 and 0.01775; ESP Exome Variant Server 0.01829; TOPMed 0.01834; 1000 Genomes Project 0.01837; 1000 Genomes Project 30x 0.02030.
gnomAD v4.1: 4,694 of 1,564,892 alleles (0.3%); highest among the groups gnomAD compares: African/African-American, 5.7%; 134 homozygotes.

Submissions (3):

Labcorp Genetics (formerly Invitae), Labcorp
Classification: Benign for Epileptic encephalopathy. Last evaluated: 2026-01-28. Review status: criteria provided, single submitter. Criteria: Invitae Variant Classification Sherloc (09022015). Collection method: clinical testing. Allele origin: germline.

Breakthrough Genomics
Classification: Benign. Review status: criteria provided, single submitter. Criteria: ACMG Guidelines, 2015. Collection method: not provided. Allele origin: germline. Inheritance: Unknown mechanism. Affected: yes.

PreventionGenetics, part of Exact Sciences
Classification: Benign for FASN-related condition. Last evaluated: 2019-04-17. Review status: no assertion criteria provided. Collection method: clinical testing. Allele origin: germline. Not counted in ClinVar's aggregate classification.
Comment: This variant is classified as benign based on ACMG/AMP sequence variant interpretation guidelines (Richards et al. 2015 PMID: 25741868, with internal and published modifications).